The following is an entry in ClinVar:

NM_004329.3(BMPR1A):c.156A>G (p.Pro52=)

Gene: BMPR1A (bone morphogenetic protein receptor type 1A; plus strand). Cytogenetic location: 10q23.2.
Variant type: single nucleotide variant.
Coding change: c.156A>G on transcript NM_004329.3 (MANE Select); coding-DNA position 156, A replaced by G.
Protein change: p.Pro52=; no amino-acid change (proline 52 retained).
Molecular consequence: synonymous variant.
Genome position (GRCh38, 1-based): chr10:86,890,150, A>G. VCF-style: chr10-86890150-A-G. GRCh37 (hg19) VCF-style: chr10-88649907-A-G.
Identifiers: ClinVar variation 819566 (VCV000819566.14), dbSNP rs1589763398, ClinGen allele CA470304550.
Genomic context (GRCh38, chr10:86,890,150, plus strand): 5'-CACTGGGATGAAATCAGACTCCGACCAGAAAAAGTCAGAAAATGGAGTAACCTTAGCACC[A>G]GAGGATACCTTGCCTTTTTTAAAGTGCTATTGCTCAGGGCACTGTCCAGATGATGCTATT-3'
Protein context (NP_004320.2, residues 42-62): KKSENGVTLA[Pro52=]EDTLPFLKCY

ClinVar aggregate classification (germline): Benign/Likely benign. Review status: criteria provided, multiple submitters, no conflicts (2 of 4 stars). 4 submissions from 4 submitters: Benign (1); Likely benign (3). Last evaluated 2024-07-31.

Conditions:
Juvenile polyposis syndrome (JPS). Identifiers: Orphanet 2929, MedGen C0345893, MONDO:0017380, OMIM 174900.
Hereditary cancer-predisposing syndrome. Also called: Hereditary Cancer Syndrome; Neoplastic Syndromes, Hereditary; Hereditary neoplastic syndrome; Tumor predisposition. Identifiers: Orphanet 140162, MedGen C0027672, MeSH D009386, MONDO:0015356.

Allele frequency attached by ClinVar (database versions not stated): TOPMed below 0.00001.

Submissions (4):

Myriad Genetics, Inc.
Classification: Benign for Juvenile polyposis syndrome. Last evaluated: 2024-07-31. Review status: criteria provided, single submitter. Criteria: Myriad Autosomal Dominant, Autosomal Recessive and X-Linked Classification Criteria (2023). Collection method: clinical testing. Allele origin: unknown.
Comment: This variant is considered benign. This variant is a silent/synonymous amino acid change and it is not expected to impact splicing.

All of Us Research Program, National Institutes of Health
Classification: Likely benign for Juvenile polyposis syndrome. Last evaluated: 2023-10-23. Review status: criteria provided, single submitter. Criteria: ACMG Guidelines, 2015. Collection method: clinical testing. Allele origin: germline. Inheritance: Autosomal dominant inheritance. Observed: 1 variant allele, 1 heterozygote.
Comment: This study involves interpretation of variants in research participants for the purpose of population health screening. Participant phenotype was not available at the time of variant classification. Additional details can be found in publication PMID: 35346344, PMCID: PMC8962531

Labcorp Genetics (formerly Invitae), Labcorp
Classification: Likely benign for Juvenile polyposis syndrome. Last evaluated: 2022-07-09. Review status: criteria provided, single submitter. Criteria: Invitae Variant Classification Sherloc (09022015). Collection method: clinical testing. Allele origin: germline.

Ambry Genetics
Classification: Likely benign for Hereditary cancer-predisposing syndrome. Last evaluated: 2019-05-13. Review status: criteria provided, single submitter. Criteria: Ambry Variant Classification Scheme 2023. Collection method: clinical testing. Allele origin: germline.